The following is an entry in ClinVar:

ClinVar aggregate classification (germline): Likely benign (1 of 4 stars; one submission).

gnomAD v4.1: 117 of 1,551,850 alleles (0.0075%); highest among the groups gnomAD compares: Non-Finnish European, 0.0099%; no homozygotes.

Submission:

CeGaT Center for Human Genetics Tuebingen
Classification: Likely benign. Last evaluated: 2026-01-01. Review status: criteria provided, single submitter. Criteria: CeGaT Center For Human Genetics Tuebingen Variant Classification Criteria Version 2. Collection method: clinical testing. Allele origin: germline. Affected: yes. Observed: 1 variant allele.
Comment: SHANK2: BS2

NM_012309.5(SHANK2):c.774T>G (p.Asp258Glu)

Gene: SHANK2 (SH3 and multiple ankyrin repeat domains 2; minus strand). Cytogenetic location: 11q13.4.
Variant type: single nucleotide variant.
Coding change: c.774T>G on transcript NM_012309.5 (MANE Select); coding-DNA position 774, T replaced by G.
Protein change: p.Asp258Glu; replaces aspartic acid 258 with glutamic acid.
Molecular consequence: missense variant.
Genome position (GRCh38, 1-based): chr11:71,092,560, A>C on the plus strand (T>G on the coding strand, the complement: SHANK2 is on the minus strand). VCF-style: chr11-71092560-A-C. GRCh37 (hg19) VCF-style: chr11-70803606-A-C.
Other names: c.774T>G, p.Asp258Glu (NM_001441024.1, NM_001441025.1, NM_001441026.1 and 12 more transcripts); c.702T>G, p.Asp234Glu (NM_001441038.1); short protein forms D234E, D258E.
Identifiers: ClinVar variation 4822033 (VCV004822033.4).